The following is an entry in ClinVar:

ClinVar aggregate classification (germline): Likely benign (1 of 4 stars; one submission).

Submission:

CeGaT Center for Human Genetics Tuebingen
Classification: Likely benign. Last evaluated: 2024-08-01. Review status: criteria provided, single submitter. Criteria: CeGaT Center For Human Genetics Tuebingen Variant Classification Criteria Version 2. Collection method: clinical testing. Allele origin: germline. Affected: yes. Observed: 1 variant allele.
Comment: TCF20: PM2:Supporting, BP4, BP7

NM_001378418.1(TCF20):c.897T>C (p.Asn299=)

Gene: TCF20 (transcription factor 20; minus strand). Cytogenetic location: 22q13.2.
Variant type: single nucleotide variant.
Coding change: c.897T>C on transcript NM_001378418.1 (MANE Select); coding-DNA position 897, T replaced by C.
Protein change: p.Asn299=; no amino-acid change (asparagine 299 retained).
Molecular consequence: synonymous variant.
Genome position (GRCh38, 1-based): chr22:42,214,409, A>G on the plus strand (T>C on the coding strand, the complement: TCF20 is on the minus strand). VCF-style: chr22-42214409-A-G. GRCh37 (hg19) VCF-style: chr22-42610415-A-G.
Other names: c.897T>C, p.Asn299= (NM_005650.4, NM_181492.3).
Identifiers: ClinVar variation 3342073 (VCV003342073.16).